The following is an entry in ClinVar:

NM_001414.4(EIF2B1):c.*665C>T

Gene: EIF2B1 (eukaryotic translation initiation factor 2B subunit alpha; minus strand). Cytogenetic location: 12q24.31.
Variant type: single nucleotide variant.
Coding change: c.*665C>T on transcript NM_001414.4 (MANE Select); 665 bases downstream of the stop codon, C replaced by T.
Molecular consequence: 3 prime UTR variant.
Genome position (GRCh38, 1-based): chr12:123,621,091, G>A on the plus strand (C>T on the coding strand, the complement: EIF2B1 is on the minus strand). VCF-style: chr12-123621091-G-A. GRCh37 (hg19) VCF-style: chr12-124105638-G-A.
Identifiers: ClinVar variation 307515 (VCV000307515.6), dbSNP rs2707, ClinGen allele CA10640456.

ClinVar aggregate classification (germline): Benign. Review status: criteria provided, multiple submitters, no conflicts (2 of 4 stars). 2 submissions from 2 submitters: Benign (2). Last evaluated 2018-01-13.

Conditions:
Vanishing white matter disease. Also called: CACH syndrome; Childhood ataxia with diffuse central nervous system hypomyelination; Leukoencephalopathy with vanishing white matter; CACH/VWM syndrome; Cree leukoencehalopathy. Identifiers: Orphanet 135, Orphanet 99853, MedGen C1858991, MONDO:0800448.

Allele frequency attached by ClinVar (database versions not stated): gnomAD exomes 0.04345; TOPMed 0.07405; gnomAD 0.07425 and 0.07464; 1000 Genomes Project 0.10084; 1000 Genomes Project 30x 0.10369.
gnomAD v4.1: 11,457 of 155,120 alleles (7.4%); highest among the groups gnomAD compares: African/African-American, 14%; 602 homozygotes.

Submissions (2):

Illumina Laboratory Services, Illumina
Classification: Benign for Leukoencephalopathy with vanishing white matter 1. Last evaluated: 2018-01-13. Review status: criteria provided, single submitter. Criteria: ICSL Variant Classification Criteria 13 December 2019. Collection method: clinical testing. Allele origin: germline.
Comment: This variant was observed in the ICSL laboratory as part of a predisposition screen in an ostensibly healthy population. It had not been previously curated by ICSL or reported in the Human Gene Mutation Database (HGMD: prior to June 1st, 2018), and was therefore a candidate for classification through an automated scoring system. Utilizing variant allele frequency, disease prevalence and penetrance estimates, and inheritance mode, an automated score was calculated to assess if this variant is too frequent to cause the disease. Based on the score and internal cut-off values, a variant classified as benign is not then subjected to further curation. The score for this variant resulted in a classification of benign for this disease.

Breakthrough Genomics
Classification: Benign. Review status: criteria provided, single submitter. Criteria: ACMG Guidelines, 2015. Collection method: not provided. Allele origin: germline. Inheritance: Autosomal recessive inheritance. Affected: yes.